The following is an entry in ClinVar:

NM_001330288.2(SMARCC2):c.2673C>T (p.Thr891=)

Gene: SMARCC2 (SWI/SNF related BAF chromatin remodeling complex subunit C2; minus strand). Cytogenetic location: 12q13.2.
Variant type: single nucleotide variant.
Coding change: c.2673C>T on transcript NM_001330288.2 (MANE Select); coding-DNA position 2673, C replaced by T.
Protein change: p.Thr891=; no amino-acid change (threonine 891 retained).
Molecular consequence: synonymous variant.
Genome position (GRCh38, 1-based): chr12:56,169,571, G>A on the plus strand (C>T on the coding strand, the complement: SMARCC2 is on the minus strand). VCF-style: chr12-56169571-G-A. GRCh37 (hg19) VCF-style: chr12-56563355-G-A.
Other names: c.2673C>T, p.Thr891= (NM_001130420.3, NM_139067.4); c.2580C>T, p.Thr860= (NM_003075.5).
Identifiers: ClinVar variation 5039477 (VCV005039477.1).

ClinVar aggregate classification (germline): Likely benign (1 of 4 stars; one submission).

gnomAD v4.1: 16 of 1,614,146 alleles (0.00099%); highest among the groups gnomAD compares: Middle Eastern, 0.016%; no homozygotes.

Submission:

CeGaT Center for Human Genetics Tuebingen
Classification: Likely benign. Last evaluated: 2026-07-01. Review status: criteria provided, single submitter. Criteria: CeGaT Center For Human Genetics Tuebingen Variant Classification Criteria Version 2. Collection method: clinical testing. Allele origin: germline. Affected: yes. Observed: 1 variant allele.
Comment: SMARCC2: BP4, BP7